The following is an entry in ClinVar:

ClinVar aggregate classification (germline): Uncertain significance (1 of 4 stars; one submission).

Conditions:
Hereditary cancer-predisposing syndrome. Also called: Neoplastic Syndromes, Hereditary; Tumor predisposition; Hereditary Cancer Syndrome; Hereditary neoplastic syndrome. Identifiers: Orphanet 140162, MedGen C0027672, MeSH D009386, MONDO:0015356.

gnomAD v4.1: 1 of 1,608,424 alleles (0.000062%); no homozygotes.

Submission:

Ambry Genetics
Classification: Uncertain significance for Hereditary cancer-predisposing syndrome. Last evaluated: 2026-01-12. Review status: criteria provided, single submitter. Criteria: Ambry Variant Classification Scheme 2023. Collection method: clinical testing. Allele origin: germline.
Comment: The p.W257L variant (also known as c.770G>T), located in coding exon 7 of the TSC2 gene, results from a G to T substitution at nucleotide position 770. The tryptophan at codon 257 is replaced by leucine, an amino acid with similar properties. This amino acid position is conserved. In addition, this alteration is predicted to be deleterious by in silico analysis. Based on the available evidence, the clinical significance of this variant remains unclear.

NM_000548.5(TSC2):c.770G>T (p.Trp257Leu)

Gene: TSC2 (TSC complex subunit 2; plus strand). Cytogenetic location: 16p13.3.
Variant type: single nucleotide variant.
Coding change: c.770G>T on transcript NM_000548.5 (MANE Select); coding-DNA position 770, G replaced by T.
Protein change: p.Trp257Leu; replaces tryptophan 257 with leucine.
Molecular consequence: missense variant. On other transcripts: non-coding transcript variant (5), 5 prime UTR variant (10).
Genome position (GRCh38, 1-based): chr16:2,056,765, G>T. VCF-style: chr16-2056765-G-T. GRCh37 (hg19) VCF-style: chr16-2106766-G-T.
Other names: c.770G>T, p.Trp257Leu (NM_001406665.1, NM_021055.3, NM_001077183.3 and 6 more transcripts); c.860G>T, p.Trp287Leu (NM_001406667.1, NM_001406668.1); c.659G>T, p.Trp220Leu (NM_001406670.1, NM_001406678.1, NM_001318827.2); c.758G>T, p.Trp253Leu (NM_001406671.1, NM_001406673.1); c.623G>T, p.Trp208Leu (NM_001406675.1, NM_001406676.1, NM_001406679.1 and 1 more transcripts); c.713G>T, p.Trp238Leu (NM_001406677.1); c.170G>T, p.Trp57Leu (NM_001406680.1, NM_001406682.1, NM_001406683.1 and 6 more transcripts); c.308G>T, p.Trp103Leu (NM_001406681.1); and 4 more; short protein forms W287L, W253L, W268L, W57L, W103L, W208L, W220L, W238L.
Identifiers: ClinVar variation 4842422 (VCV004842422.1).